The following is an entry in ClinVar:

ClinVar aggregate classification (germline): Uncertain significance. Review status: criteria provided, multiple submitters, no conflicts (2 of 4 stars). 3 submissions from 3 submitters: Uncertain significance (2). 1 of the submissions does not count toward it. Last evaluated 2024-08-30.

Conditions:
Joubert syndrome. Also called: Familial aplasia of the vermis; JOUBERT-BOLTSHAUSER SYNDROME. Identifiers: Orphanet 475, MedGen C5979921, MONDO:0018772.
Meckel-Gruber syndrome. Also called: DYSENCEPHALIA SPLANCHNOCYSTICA; GRUBER SYNDROME; Dysencephalia splachnocystica. Identifiers: Orphanet 564, MedGen C0265215, MONDO:0018921.
RPGRIP1L-related disorder. Also called: RPGRIP1L-related disorders; RPGRIP1L-related condition. Identifiers: MedGen CN239416.

Allele frequency attached by ClinVar (database versions not stated): TOPMed 0.00001; gnomAD exomes 0.00002; ExAC 0.00005; gnomAD 0.00005; 1000 Genomes Project 0.00040; 1000 Genomes Project 30x 0.00047.
gnomAD v4.1: 31 of 1,613,886 alleles (0.0019%); highest among the groups gnomAD compares: East Asian, 0.0089%; 1 homozygote.

Submissions (3):

Blueprint Genetics
Classification: Uncertain significance. Last evaluated: 2024-08-30. Review status: criteria provided, single submitter. Criteria: ACMG Guidelines, 2015. Collection method: clinical testing. Allele origin: germline.

Labcorp Genetics (formerly Invitae), Labcorp
Classification: Uncertain significance for Joubert syndrome; Meckel-Gruber syndrome. Last evaluated: 2022-03-11. Review status: criteria provided, single submitter. Criteria: Invitae Variant Classification Sherloc (09022015). Collection method: clinical testing. Allele origin: germline.
Comment: This sequence change replaces arginine, which is basic and polar, with tryptophan, which is neutral and slightly polar, at codon 1171 of the RPGRIP1L protein (p.Arg1171Trp). This variant is present in population databases (rs200189895, gnomAD 0.02%). This variant has not been reported in the literature in individuals affected with RPGRIP1L-related conditions. Algorithms developed to predict the effect of missense changes on protein structure and function are either unavailable or do not agree on the potential impact of this missense change (SIFT: "Deleterious"; PolyPhen-2: "Probably Damaging"; Align-GVGD: "Class C0"). In summary, the available evidence is currently insufficient to determine the role of this variant in disease. Therefore, it has been classified as a Variant of Uncertain Significance.

PreventionGenetics, part of Exact Sciences
Classification: Uncertain significance for RPGRIP1L-related condition. Last evaluated: 2024-08-21. Review status: no assertion criteria provided. Collection method: clinical testing. Allele origin: germline. Not counted in ClinVar's aggregate classification.
Comment: The RPGRIP1L c.3511C>T variant is predicted to result in the amino acid substitution p.Arg1171Trp. To our knowledge, this variant has not been reported in the literature. This variant is reported in 0.015% of alleles in individuals of East Asian descent in gnomAD. At this time, the clinical significance of this variant is uncertain due to the absence of conclusive functional and genetic evidence.

NM_015272.5(RPGRIP1L):c.3511C>T (p.Arg1171Trp)

Gene: RPGRIP1L (RPGRIP1 like; minus strand). Cytogenetic location: 16q12.2.
Variant type: single nucleotide variant.
Coding change: c.3511C>T on transcript NM_015272.5 (MANE Select); coding-DNA position 3511, C replaced by T.
Protein change: p.Arg1171Trp; replaces arginine 1171 with tryptophan.
Molecular consequence: missense variant.
Genome position (GRCh38, 1-based): chr16:53,619,130, G>A on the plus strand (C>T on the coding strand, the complement: RPGRIP1L is on the minus strand). VCF-style: chr16-53619130-G-A. GRCh37 (hg19) VCF-style: chr16-53653042-G-A.
Other names: c.3271C>T, p.Arg1091Trp (NM_001127897.4); c.3373C>T, p.Arg1125Trp (NM_001308334.3); c.3409C>T, p.Arg1137Trp (NM_001330538.2); c.3511C>T (NM_015272.4); short protein forms R1091W, R1125W, R1137W, R1171W.
Identifiers: ClinVar variation 2019663 (VCV002019663.3), dbSNP rs200189895, ClinGen allele CA8057267.